The following is an entry in ClinVar:

NM_005751.5(AKAP9):c.4626G>C (p.Lys1542Asn)

Gene: AKAP9 (A-kinase anchoring protein 9; plus strand). Cytogenetic location: 7q21.2.
Variant type: single nucleotide variant.
Coding change: c.4626G>C on transcript NM_005751.5 (MANE Select); coding-DNA position 4626, G replaced by C.
Protein change: p.Lys1542Asn; replaces lysine 1542 with asparagine.
Molecular consequence: missense variant.
Genome position (GRCh38, 1-based): chr7:92,038,706, G>C. VCF-style: chr7-92038706-G-C. GRCh37 (hg19) VCF-style: chr7-91668020-G-C.
Other names: c.4626G>C, p.Lys1542Asn (NM_147185.3); short protein forms K1542N.
Identifiers: ClinVar variation 1741982 (VCV001741982.2), dbSNP rs772229774, ClinGen allele CA4336599.
Genomic context (GRCh38, chr7:92,038,706, plus strand): 5'-AGAACATGGAAAGGAAATTTTATTATCAAATAGTGATCCCCATGATATACCAGAATCAAA[G>C]GACTGTGTGCTGACTATTTCAGAAGAAATGTTCTCCAAAGATAAAACATTTATAGTTAGA-3'
Protein context (NP_005742.4, residues 1532-1552): NSDPHDIPES[Lys1542Asn]DCVLTISEEM

ClinVar aggregate classification (germline): Uncertain significance (1 of 4 stars; one submission).

Conditions:
Cardiovascular phenotype. Identifiers: MedGen CN230736.

Allele frequency attached by ClinVar (database versions not stated): gnomAD exomes below 0.00001; ExAC 0.00001.
gnomAD v4.1: 4 of 1,606,706 alleles (0.00025%); highest among the groups gnomAD compares: Non-Finnish European, 0.00034%; no homozygotes.

Submission:

Ambry Genetics
Classification: Uncertain significance for Cardiovascular phenotype. Last evaluated: 2021-11-22. Review status: criteria provided, single submitter. Criteria: Ambry Variant Classification Scheme 2023. Collection method: clinical testing. Allele origin: germline.
Comment: The p.K1542N variant (also known as c.4626G>C), located in coding exon 17 of the AKAP9 gene, results from a G to C substitution at nucleotide position 4626. The lysine at codon 1542 is replaced by asparagine, an amino acid with similar properties. This amino acid position is conserved. In addition, this alteration is predicted to be tolerated by in silico analysis. Since supporting evidence is limited at this time, the clinical significance of this alteration remains unclear.